The following is an entry in ClinVar:

ClinVar aggregate classification (germline): Pathogenic. Review status: criteria provided, multiple submitters, no conflicts (2 of 4 stars). 2 submissions from 2 submitters: Pathogenic (2). Last evaluated 2026-06-02.

Conditions:
Niemann-Pick disease, type C (NPC). Identifiers: Orphanet 646, MedGen C0220756, MONDO:0018982.
Niemann-Pick disease, type C1. Also called: NEUROVISCERAL STORAGE DISEASE WITH VERTICAL SUPRANUCLEAR OPHTHALMOPLEGIA; NIEMANN-PICK DISEASE WITH CHOLESTEROL ESTERIFICATION BLOCK; NIEMANN-PICK DISEASE WITHOUT SPHINGOMYELINASE DEFICIENCY; NIEMANN-PICK DISEASE, CHRONIC NEURONOPATHIC FORM; NIEMANN-PICK DISEASE, VARIANT TYPE C1. Identifiers: Orphanet 646, MedGen C3179455, MONDO:0009757, OMIM 257220.

Allele frequency attached by ClinVar (database versions not stated): gnomAD exomes below 0.00001.
gnomAD v4.1: 2 of 1,614,228 alleles (0.00012%); highest among the groups gnomAD compares: Non-Finnish European, 0.00017%; no homozygotes.

Submissions (2):

Women's Health and Genetics/Laboratory Corporation of America, LabCorp
Classification: Pathogenic for Niemann-Pick disease, type C. Last evaluated: 2026-06-02. Review status: criteria provided, single submitter. Criteria: LabCorp Variant Classification Summary - May 2015. Collection method: clinical testing. Allele origin: germline.
Comment: Variant summary: NPC1 c.2662C>T (p.Pro888Ser) results in a non-conservative amino acid change in the encoded protein sequence. Algorithms developed to predict the effect of missense changes on protein structure and function all suggest that this variant is likely to be disruptive. The variant allele was found at a frequency of 4e-06 in 251486 control chromosomes. c.2662C>T has been observed in the homozygous and presumed compound heterozygous state in multiple individual(s) affected with Niemann-Pick Disease Type C (example, Dardis_2020, Fancello_2009, Sun_2001, Romanello_2016, Benussi_2015). These data indicate that the variant is likely to be associated with disease. To our knowledge, no experimental evidence demonstrating an impact on protein function has been reported. Internally validated machine learning-based Evidence Modeling of protein sequence and biophysical properties (such as structural, functional, and spatial information, amino acid conservation, physicochemical variation, residue mobility, and thermodynamic stability) indicates that this missense variant is expected to disrupt protein function with a positive predictive value of at least 95%. The following publications have been ascertained in the context of this evaluation (PMID: 32138288, 19252935, 11349231, 26790753, 25536905). ClinVar contains an entry for this variant (Variation ID: 2736703). Based on the evidence outlined above, the variant was classified as pathogenic.

Labcorp Genetics (formerly Invitae), Labcorp
Classification: Pathogenic for Niemann-Pick disease, type C1. Last evaluated: 2022-11-29. Review status: criteria provided, single submitter. Criteria: Invitae Variant Classification Sherloc (09022015). Collection method: clinical testing. Allele origin: germline.
Comment: For these reasons, this variant has been classified as Pathogenic. Advanced modeling of protein sequence and biophysical properties (such as structural, functional, and spatial information, amino acid conservation, physicochemical variation, residue mobility, and thermodynamic stability) performed at Invitae indicates that this missense variant is expected to disrupt NPC1 protein function. This missense change has been observed in individual(s) with Niemann-Pick disease type C (PMID: 11349231, 19252935, 25536905). This variant is present in population databases (no rsID available, gnomAD 0.0009%). This sequence change replaces proline, which is neutral and non-polar, with serine, which is neutral and polar, at codon 888 of the NPC1 protein (p.Pro888Ser).

Literature cited by the submitters: PubMed 11349231 (cited by Women's Health and Genetics/Laboratory Corporation of America, LabCorp and Labcorp Genetics (formerly Invitae), Labcorp); PubMed 19252935 (cited by Women's Health and Genetics/Laboratory Corporation of America, LabCorp and Labcorp Genetics (formerly Invitae), Labcorp); PubMed 26790753 (cited by Women's Health and Genetics/Laboratory Corporation of America, LabCorp); PubMed 32138288 (cited by Women's Health and Genetics/Laboratory Corporation of America, LabCorp); PubMed 25536905 (cited by Women's Health and Genetics/Laboratory Corporation of America, LabCorp and Labcorp Genetics (formerly Invitae), Labcorp).

NM_000271.5(NPC1):c.2662C>T (p.Pro888Ser)

Gene: NPC1 (NPC intracellular cholesterol transporter 1; minus strand). Cytogenetic location: 18q11.2.
Variant type: single nucleotide variant.
Coding change: c.2662C>T on transcript NM_000271.5 (MANE Select); coding-DNA position 2662, C replaced by T.
Protein change: p.Pro888Ser; replaces proline 888 with serine.
Molecular consequence: missense variant.
Genome position (GRCh38, 1-based): chr18:23,539,944, G>A on the plus strand (C>T on the coding strand, the complement: NPC1 is on the minus strand). VCF-style: chr18-23539944-G-A. GRCh37 (hg19) VCF-style: chr18-21119908-G-A.
Other names: short protein forms P888S.
Identifiers: ClinVar variation 2736703 (VCV002736703.4), dbSNP rs1191346899, ClinGen allele CA401792920.